The following is an entry in ClinVar:

ClinVar aggregate classification (germline): Uncertain significance. Review status: criteria provided, multiple submitters, no conflicts (2 of 4 stars). 5 submissions from 4 submitters: Uncertain significance (5). Last evaluated 2026-06-30.

Conditions:
Hereditary cancer-predisposing syndrome. Also called: Tumor predisposition; Neoplastic Syndromes, Hereditary; Hereditary Cancer Syndrome; Hereditary neoplastic syndrome. Identifiers: Orphanet 140162, MedGen C0027672, MeSH D009386, MONDO:0015356.
Hereditary breast ovarian cancer syndrome. Also called: Hereditary breast and ovarian cancer; Hereditary breast and ovarian cancer syndrome (HBOC); Breast and ovarian cancer; BRCA1- and BRCA2-Associated Hereditary Breast and Ovarian Cancer; Hereditary breast and ovarian cancer syndrome; Hereditary breast and/or ovarian cancer syndrome. Identifiers: Orphanet 145, MedGen C0677776, MeSH D061325, MONDO:0003582. Disease mechanism: loss of function.
Fanconi anemia complementation group D1. Also called: BRCA2-Related Fanconi Anemia. Identifiers: Orphanet 319462, MedGen C1838457, MONDO:0011584, OMIM 605724.
Breast-ovarian cancer, familial, susceptibility to, 2 (BROVCA2). Also called: BRCA2 Hereditary Breast and Ovarian Cancer. Identifiers: Orphanet 145, MedGen C2675520, MONDO:0012933, OMIM 612555. Disease mechanism: loss of function.

Allele frequency attached by ClinVar (database versions not stated): gnomAD exomes below 0.00001.
gnomAD v4.1: 4 of 1,610,352 alleles (0.00025%); highest among the groups gnomAD compares: East Asian, 0.0045%; no homozygotes.

Submissions (5):

Ambry Genetics
Classification: Uncertain significance for Hereditary cancer-predisposing syndrome. Last evaluated: 2026-06-30. Review status: criteria provided, single submitter. Criteria: Ambry Variant Classification Scheme 2023. Collection method: clinical testing. Allele origin: germline.
Comment: The p.Q2345R variant (also known as c.7034A>G), located in coding exon 13 of the BRCA2 gene, results from an A to G substitution at nucleotide position 7034. The glutamine at codon 2345 is replaced by arginine, an amino acid with highly similar properties. This amino acid position is not well conserved in available vertebrate species. In addition, the in silico prediction for this alteration is inconclusive. Based on the available evidence, the clinical significance of this variant remains unclear.

Labcorp Genetics (formerly Invitae), Labcorp
Classification: Uncertain significance for Hereditary breast ovarian cancer syndrome. Last evaluated: 2024-11-12. Review status: criteria provided, single submitter. Criteria: Invitae Variant Classification Sherloc (09022015). Collection method: clinical testing. Allele origin: germline.
Comment: This sequence change replaces glutamine, which is neutral and polar, with arginine, which is basic and polar, at codon 2345 of the BRCA2 protein (p.Gln2345Arg). This variant is not present in population databases (gnomAD no frequency). This variant has not been reported in the literature in individuals affected with BRCA2-related conditions. ClinVar contains an entry for this variant (Variation ID: 234734). Invitae Evidence Modeling of protein sequence and biophysical properties (such as structural, functional, and spatial information, amino acid conservation, physicochemical variation, residue mobility, and thermodynamic stability) indicates that this missense variant is not expected to disrupt BRCA2 protein function with a negative predictive value of 95%. In summary, the available evidence is currently insufficient to determine the role of this variant in disease. Therefore, it has been classified as a Variant of Uncertain Significance.

Illumina Laboratory Services, Illumina
Classification: Uncertain significance for Fanconi anemia complementation group D1. Last evaluated: 2018-01-12. Review status: criteria provided, single submitter. Criteria: ICSL Variant Classification Criteria 13 December 2019. Collection method: clinical testing. Allele origin: germline.

Illumina Laboratory Services, Illumina
Classification: Uncertain significance for Breast-ovarian cancer, familial, susceptibility to, 2. Last evaluated: 2018-01-12. Review status: criteria provided, single submitter. Criteria: ICSL Variant Classification Criteria 13 December 2019. Collection method: clinical testing. Allele origin: germline.

GeneDx
Classification: Uncertain significance. Last evaluated: 2015-12-30. Review status: criteria provided, single submitter. Criteria: GeneDx Variant Classification (06012015). Collection method: clinical testing. Allele origin: germline. Affected: yes.
Comment: This variant is denoted BRCA2 c.7034A>G at the cDNA level, p.Gln2345Arg (Q2345R) at the protein level, and results in the change of a Glutamine to an Arginine (CAG>CGG). Using alternate nomenclature, this variant would be defined as BRCA2 7262A>G. This variant has not, to our knowledge, been published in the literature as pathogenic or benign. BRCA2 Gln2345Arg was not observed in approximately 6,500 individuals of European and African American ancestry in the NHLBI Exome Sequencing Project, suggesting it is not a common benign variant in these populations. Since Glutamine and Arginine differ in some properties, this is considered a semi-conservative amino acid substitution. BRCA2 Gln2345Arg occurs at a position that is not conserved and is not located in a known functional domain. In silico analyses predict that this variant is unlikely to alter protein structure or function. Based on currently available evidence, it is unclear whether BRCA2 Gln2345Arg is a pathogenic or benign variant. We consider it to be a variant of uncertain significance.

Literature cited by the submitters: PubMed 37922907 (cited by Ambry Genetics).

NM_000059.4(BRCA2):c.7034A>G (p.Gln2345Arg)

Gene: BRCA2 (BRCA2 DNA repair associated; plus strand). Cytogenetic location: 13q13.1.
Variant type: single nucleotide variant.
Coding change: c.7034A>G on transcript NM_000059.4 (MANE Select); coding-DNA position 7034, A replaced by G.
Protein change: p.Gln2345Arg; replaces glutamine 2345 with arginine.
Molecular consequence: missense variant.
Genome position (GRCh38, 1-based): chr13:32,354,887, A>G. VCF-style: chr13-32354887-A-G. GRCh37 (hg19) VCF-style: chr13-32929024-A-G.
Other names: short protein forms Q2345R.
Identifiers: ClinVar variation 234734 (VCV000234734.9), dbSNP rs876661187, ClinGen allele CA10577488.
Genomic context (GRCh38, chr13:32,354,887, plus strand): 5'-GTCAATAAACTTATATATTTTCTCCCCATTGCAGCACAACTAAGGAACGTCAAGAGATAC[A>G]GAATCCAAATTTTACCGCACCTGGTCAAGAATTTCTGTCTAAATCTCATTTGTATGAACA-3'
Protein context (NP_000050.3, residues 2335-2355): FRTTKERQEI[Gln2345Arg]NPNFTAPGQE